The following is an entry in ClinVar:

ClinVar aggregate classification (germline): Likely pathogenic. Review status: criteria provided, single submitter (1 of 4 stars). 2 submissions from 2 submitters: Likely pathogenic (1). 1 of the submissions does not count toward it. Last evaluated 2025-04-23.

Conditions:
Lesch-Nyhan syndrome (LNS). Also called: HPRT DEFICIENCY, COMPLETE; Lesch-Nyhan Disease (LND). Identifiers: Orphanet 510, MedGen C0023374, MONDO:0010298, OMIM 300322.
HPRT1-related disorder. Also called: HPRT1-related condition; HPRT1-related disorders.

Submissions (2):

GeneDx
Classification: Likely pathogenic. Last evaluated: 2025-04-23. Review status: criteria provided, single submitter. Criteria: GeneDx Variant Classification Process June 2021. Collection method: clinical testing. Allele origin: germline. Affected: yes.
Comment: Identified in an individual with Lesch-Nyhan syndrome in published literature (PMID: 2347587); Not observed at significant frequency in large population cohorts (gnomAD); Intronic variant directly or indirectly altering the +5 splice site in a gene for which loss of function is a known mechanism of disease, and splice predictors support a deleterious effect; This variant is associated with the following publications: (PMID: 25525159, 2347587)

OMIM
Classification: Pathogenic for LESCH-NYHAN SYNDROME. Last evaluated: 1990-06-01. Review status: no assertion criteria provided. Collection method: literature only. Allele origin: germline. Not counted in ClinVar's aggregate classification.

Literature cited by the submitters: PubMed 2347587 (cited by OMIM).

NM_000194.3(HPRT1):c.609+5G>A

Gene: HPRT1 (hypoxanthine phosphoribosyltransferase 1; plus strand). Cytogenetic location: Xq26.2.
Variant type: single nucleotide variant.
Coding change: c.609+5G>A on transcript NM_000194.3 (MANE Select); 5 bases into the intron after coding-DNA position 609, G replaced by A.
Molecular consequence: intron variant.
Genome position (GRCh38, 1-based): chrX:134,498,689, G>A. VCF-style: chrX-134498689-G-A. GRCh37 (hg19) VCF-style: chrX-133632719-G-A.
Other names: IVS8DS, G-A, +5.
Identifiers: ClinVar variation 10054 (VCV000010054.8), dbSNP rs1569360139, ClinGen allele CA891862627.
Genomic context (GRCh38, chrX:134,498,689, plus strand): 5'-ACAAGTTTGTTGTAGGATATGCCCTTGACTATAATGAATACTTCAGGGATTTGAATGTAA[G>A]TAATTGCTTCTTTTTCTCACTCATTTTTCAAAACACGCATAAAAATTTAGGAAAGAGAAT-3'